The following is an entry in ClinVar:

ClinVar aggregate classification (germline): Uncertain significance. Review status: criteria provided, multiple submitters, no conflicts (2 of 4 stars). 2 submissions from 2 submitters: Uncertain significance (2). Last evaluated 2023-12-30.

Conditions:
RASopathy. Also called: rasopathies; Noonan spectrum disorder. Identifiers: Orphanet 536391, MedGen C5555857, MONDO:0021060.

Allele frequency attached by ClinVar (database versions not stated): gnomAD exomes below 0.00001.
gnomAD v4.1: 1 of 1,567,160 alleles (0.000064%); highest among the groups gnomAD compares: African/African-American, 0.0014%; no homozygotes.

Submissions (2):

Labcorp Genetics (formerly Invitae), Labcorp
Classification: Uncertain significance for RASopathy. Last evaluated: 2023-12-30. Review status: criteria provided, single submitter. Criteria: Invitae Variant Classification Sherloc (09022015). Collection method: clinical testing. Allele origin: germline.
Comment: This sequence change affects codon 229 of the MAP2K2 mRNA. It is a 'silent' change, meaning that it does not change the encoded amino acid sequence of the MAP2K2 protein. This variant is not present in population databases (gnomAD no frequency). This variant has not been reported in the literature in individuals affected with MAP2K2-related conditions. ClinVar contains an entry for this variant (Variation ID: 2663139). Algorithms developed to predict the effect of sequence changes on RNA splicing suggest that this variant may disrupt the consensus splice site. In summary, the available evidence is currently insufficient to determine the role of this variant in disease. Therefore, it has been classified as a Variant of Uncertain Significance.

GeneDx
Classification: Uncertain significance. Last evaluated: 2023-05-08. Review status: criteria provided, single submitter. Criteria: GeneDx Variant Classification Process June 2021. Collection method: clinical testing. Allele origin: germline. Affected: yes.
Comment: Not observed at significant frequency in large population cohorts (gnomAD); In silico analysis supports a deleterious effect on splicing; Has not been previously published as pathogenic or benign to our knowledge

NM_030662.4(MAP2K2):c.687C>T (p.Gly229=)

Gene: MAP2K2 (mitogen-activated protein kinase kinase 2; minus strand). Cytogenetic location: 19p13.3.
Variant type: single nucleotide variant.
Coding change: c.687C>T on transcript NM_030662.4 (MANE Select); coding-DNA position 687, C replaced by T.
Protein change: p.Gly229=; no amino-acid change (glycine 229 retained).
Molecular consequence: synonymous variant.
Genome position (GRCh38, 1-based): chr19:4,101,037, G>A on the plus strand (C>T on the coding strand, the complement: MAP2K2 is on the minus strand). VCF-style: chr19-4101037-G-A. GRCh37 (hg19) VCF-style: chr19-4101035-G-A.
Identifiers: ClinVar variation 2663139 (VCV002663139.4), dbSNP rs2512309957, ClinGen allele CA504987100.